The following is an entry in ClinVar:

NM_015189.3(EXOC6B):c.663G>A (p.Met221Ile)

Gene: EXOC6B (exocyst complex component 6B; minus strand). Cytogenetic location: 2p13.2.
Variant type: single nucleotide variant.
Coding change: c.663G>A on transcript NM_015189.3 (MANE Select); coding-DNA position 663, G replaced by A.
Protein change: p.Met221Ile; replaces methionine 221 with isoleucine.
Molecular consequence: missense variant. On other transcripts: non-coding transcript variant (2).
Genome position (GRCh38, 1-based): chr2:72,718,109, C>T on the plus strand (G>A on the coding strand, the complement: EXOC6B is on the minus strand). VCF-style: chr2-72718109-C-T. GRCh37 (hg19) VCF-style: chr2-72945238-C-T.
Other names: c.663G>A, p.Met221Ile (NM_001321729.2, NM_001321730.2, NM_001321731.2 and 1 more transcripts); c.324G>A, p.Met108Ile (NM_001321734.2); short protein forms M108I, M221I.
Identifiers: ClinVar variation 1373608 (VCV001373608.6), dbSNP rs2104718868, ClinGen allele CA347432517.

ClinVar aggregate classification (germline): Uncertain significance (1 of 4 stars; one submission).

Submission:

Labcorp Genetics (formerly Invitae), Labcorp
Classification: Uncertain significance. Last evaluated: 2024-05-21. Review status: criteria provided, single submitter. Criteria: Invitae Variant Classification Sherloc (09022015). Collection method: clinical testing. Allele origin: germline.
Comment: This sequence change replaces methionine with isoleucine at codon 221 of the EXOC6B protein (p.Met221Ile). The methionine residue is moderately conserved and there is a small physicochemical difference between methionine and isoleucine. This variant is not present in population databases (gnomAD no frequency). This variant has not been reported in the literature in individuals affected with EXOC6B-related conditions. ClinVar contains an entry for this variant (Variation ID: 1373608). Experimental studies and prediction algorithms are not available or were not evaluated, and the functional significance of this variant is currently unknown. In summary, the available evidence is currently insufficient to determine the role of this variant in disease. Therefore, it has been classified as a Variant of Uncertain Significance.